The following is an entry in ClinVar:

ClinVar aggregate classification (germline): Uncertain significance. Review status: criteria provided, multiple submitters, no conflicts (2 of 4 stars). 2 submissions from 2 submitters: Uncertain significance (2). Last evaluated 2025-12-01.

Conditions:
IL6ST-related disorder. Also called: IL6ST-related condition.

gnomAD v4.1: 1 of 1,610,092 alleles (0.000062%); highest among the groups gnomAD compares: Non-Finnish European, 0.000085%; no homozygotes.

Submissions (2):

Labcorp Genetics (formerly Invitae), Labcorp
Classification: Uncertain significance. Last evaluated: 2025-12-01. Review status: criteria provided, single submitter. Criteria: Invitae Variant Classification Sherloc (09022015). Collection method: clinical testing. Allele origin: germline.
Comment: This sequence change replaces alanine, which is neutral and non-polar, with valine, which is neutral and non-polar, at codon 200 of the IL6ST protein (p.Ala200Val). This variant is not present in population databases (gnomAD no frequency). This variant has not been reported in the literature in individuals affected with IL6ST-related conditions. An algorithm developed to predict the effect of missense changes on protein structure and function (PolyPhen-2) suggests that this variant is likely to be tolerated. In summary, the available evidence is currently insufficient to determine the role of this variant in disease. Therefore, it has been classified as a Variant of Uncertain Significance.

PreventionGenetics, part of Exact Sciences
Classification: Uncertain significance for IL6ST-related condition. Last evaluated: 2025-02-15. Review status: criteria provided, single submitter. Criteria: ACMG Guidelines, 2015. Collection method: clinical testing. Allele origin: germline.
Comment: The IL6ST c.599C>T variant is predicted to result in the amino acid substitution p.Ala200Val. To our knowledge, this variant has not been reported in the literature or in a large population database (gnomAD), indicating this variant is rare. At this time, the clinical significance of this variant is uncertain due to the absence of conclusive functional and genetic evidence.

NM_002184.4(IL6ST):c.599C>T (p.Ala200Val)

Gene: IL6ST (interleukin 6 cytokine family signal transducer; minus strand). Cytogenetic location: 5q11.2.
Variant type: single nucleotide variant.
Coding change: c.599C>T on transcript NM_002184.4 (MANE Select); coding-DNA position 599, C replaced by T.
Protein change: p.Ala200Val; replaces alanine 200 with valine.
Molecular consequence: missense variant. On other transcripts: 5 prime UTR variant (3), non-coding transcript variant (2).
Genome position (GRCh38, 1-based): chr5:55,964,205, G>A on the plus strand (C>T on the coding strand, the complement: IL6ST is on the minus strand). VCF-style: chr5-55964205-G-A. GRCh37 (hg19) VCF-style: chr5-55260033-G-A.
Other names: c.599C>T, p.Ala200Val (NM_001190981.2, NM_001364275.2, NM_175767.3); c.389C>T, p.Ala130Val (NM_001364276.2); c.-315C>T (NM_001364277.2, NM_001364279.2); c.-305C>T (NM_001364278.2); c.599C>T (NM_002184.3); short protein forms A130V, A200V.
Identifiers: ClinVar variation 4769714 (VCV004769714.2).
Genomic context (GRCh38, chr5:55,964,205, plus strand): 5'-CCTTTATATACAGGATCAAAATTGATATGATCTGATGTAACCTTCCCAAGGGCATTCTCT[G>A]CTTCTACCCAGACTTCAATGTTGACAAAATACACAGTAGAATAATCAACAGTGCATGAGG-3'
Protein context (NP_002175.2, residues 190-210): YFVNIEVWVE[Ala200Val]ENALGKVTSD